The following is an entry in ClinVar:

ClinVar aggregate classification (germline): Conflicting classifications of pathogenicity. Review status: criteria provided, conflicting classifications (1 of 4 stars). 5 submissions from 5 submitters: Uncertain significance (4); Likely benign (1). Last evaluated 2024-09-06.

Conditions:
Inborn genetic diseases. Identifiers: MedGen C0950123, MeSH D030342.
Glycogen storage disease, type VI (GSD6). Also called: Glycogen storage disease type 6; Hepatic glycogen phosphorylase deficiency; HERS DISEASE; PHOSPHORYLASE DEFICIENCY GLYCOGEN-STORAGE DISEASE OF LIVER; Glycogen storage disease type 6, due to phosphorylation; GSD VI. Identifiers: Orphanet 369, MedGen C0017925, MONDO:0009294, OMIM 232700.

Allele frequency attached by ClinVar (database versions not stated): TOPMed 0.00021; gnomAD exomes 0.00023; gnomAD 0.00024; ExAC 0.00027; ESP Exome Variant Server 0.00062.
gnomAD v4.1: 374 of 1,614,072 alleles (0.023%); highest among the groups gnomAD compares: Non-Finnish European, 0.028%; no homozygotes.

Submissions (5):

Labcorp Genetics (formerly Invitae), Labcorp
Classification: Uncertain significance for Glycogen storage disease, type VI. Last evaluated: 2024-09-06. Review status: criteria provided, single submitter. Criteria: Invitae Variant Classification Sherloc (09022015). Collection method: clinical testing. Allele origin: germline.
Comment: This sequence change replaces arginine, which is basic and polar, with histidine, which is basic and polar, at codon 425 of the PYGL protein (p.Arg425His). This variant is present in population databases (rs2228499, gnomAD 0.04%). This variant has not been reported in the literature in individuals affected with PYGL-related conditions. ClinVar contains an entry for this variant (Variation ID: 258832). Invitae Evidence Modeling of protein sequence and biophysical properties (such as structural, functional, and spatial information, amino acid conservation, physicochemical variation, residue mobility, and thermodynamic stability) indicates that this missense variant is not expected to disrupt PYGL protein function with a negative predictive value of 80%. In summary, the available evidence is currently insufficient to determine the role of this variant in disease. Therefore, it has been classified as a Variant of Uncertain Significance.

Ambry Genetics
Classification: Uncertain significance for Inborn genetic diseases. Last evaluated: 2024-06-16. Review status: criteria provided, single submitter. Criteria: Ambry Variant Classification Scheme 2023. Collection method: clinical testing. Allele origin: germline.

Mayo Clinic Laboratories, Mayo Clinic
Classification: Uncertain significance. Last evaluated: 2024-04-11. Review status: criteria provided, single submitter. Criteria: ACMG Guidelines, 2015. Collection method: clinical testing. Allele origin: germline. Observed: 1 variant allele.
Comment: PM2_moderate

Illumina Laboratory Services, Illumina
Classification: Uncertain significance for Glycogen storage disease, type VI. Last evaluated: 2018-01-13. Review status: criteria provided, single submitter. Criteria: ICSL Variant Classification Criteria 13 December 2019. Collection method: clinical testing. Allele origin: germline.

PreventionGenetics, part of Exact Sciences
Classification: Likely benign. Review status: criteria provided, single submitter. Criteria: ACMG Guidelines, 2015. Collection method: clinical testing. Allele origin: germline.

NM_002863.5(PYGL):c.1274G>A (p.Arg425His)

Gene: PYGL (glycogen phosphorylase L; minus strand). Cytogenetic location: 14q22.1.
Variant type: single nucleotide variant.
Coding change: c.1274G>A on transcript NM_002863.5 (MANE Select); coding-DNA position 1274, G replaced by A.
Protein change: p.Arg425His; replaces arginine 425 with histidine.
Molecular consequence: missense variant.
Genome position (GRCh38, 1-based): chr14:50,915,465, C>T on the plus strand (G>A on the coding strand, the complement: PYGL is on the minus strand). VCF-style: chr14-50915465-C-T. GRCh37 (hg19) VCF-style: chr14-51382183-C-T.
Other names: p.Arg425His; c.1172G>A, p.Arg391His (NM_001163940.2); short protein forms R425H, R391H.
Identifiers: ClinVar variation 258832 (VCV000258832.16), dbSNP rs2228499, ClinGen allele CA7183503.